The following is an entry in ClinVar:

ClinVar aggregate classification (germline): Benign. Review status: criteria provided, multiple submitters, no conflicts (2 of 4 stars). 2 submissions from 2 submitters: Benign (2). Last evaluated 2026-05-01.

Allele frequency attached by ClinVar (database versions not stated): 1000 Genomes Project 30x 0.00515; 1000 Genomes Project 0.00539; gnomAD 0.00981 and 0.01001; TOPMed 0.01011; gnomAD exomes 0.01018 and 0.01252; ExAC 0.01089; ESP Exome Variant Server 0.01130.
gnomAD v4.1: 19,765 of 1,614,128 alleles (1.2%); highest among the groups gnomAD compares: Non-Finnish European, 1.4%; 134 homozygotes.

Submissions (2):

CeGaT Center for Human Genetics Tuebingen
Classification: Benign. Last evaluated: 2026-05-01. Review status: criteria provided, single submitter. Criteria: CeGaT Center For Human Genetics Tuebingen Variant Classification Criteria Version 2. Collection method: clinical testing. Allele origin: germline. Affected: yes. Observed: 1 variant allele.
Comment: KIF20A: BS1, BS2

Labcorp Genetics (formerly Invitae), Labcorp
Classification: Benign. Last evaluated: 2026-02-04. Review status: criteria provided, single submitter. Criteria: Invitae Variant Classification Sherloc (09022015). Collection method: clinical testing. Allele origin: germline.

NM_005733.3(KIF20A):c.2516C>T (p.Pro839Leu)

Gene: KIF20A (kinesin family member 20A; plus strand). Cytogenetic location: 5q31.2.
Variant type: single nucleotide variant.
Coding change: c.2516C>T on transcript NM_005733.3 (MANE Select); coding-DNA position 2516, C replaced by T.
Protein change: p.Pro839Leu; replaces proline 839 with leucine.
Molecular consequence: missense variant.
Genome position (GRCh38, 1-based): chr5:138,187,256, C>T. VCF-style: chr5-138187256-C-T. GRCh37 (hg19) VCF-style: chr5-137522945-C-T.
Other names: short protein forms P839L.
Identifiers: ClinVar variation 1601732 (VCV001601732.10), dbSNP rs3172747, ClinGen allele CA3426932.
Genomic context (GRCh38, chr5:138,187,256, plus strand): 5'-AACTCCAAGGCCAGGTTTCTGCCAAAAAGCGCCTTGGTACCAACCAGGAAAATCAGCAAC[C>T]AAACCAACAACCACCAGGGAAGAAACCATTCCTTCGAAATTTACTTCCCCGAACACCAAC-3'
Protein context (NP_005724.1, residues 829-849): RLGTNQENQQ[Pro839Leu]NQQPPGKKPF